The following is an entry in ClinVar:

NM_003079.5(SMARCE1):c.943C>G (p.Gln315Glu)

Gene: SMARCE1 (SWI/SNF related BAF chromatin remodeling complex subunit E1; minus strand). Cytogenetic location: 17q21.2.
Variant type: single nucleotide variant.
Coding change: c.943C>G on transcript NM_003079.5 (MANE Select); coding-DNA position 943, C replaced by G.
Protein change: p.Gln315Glu; replaces glutamine 315 with glutamic acid.
Molecular consequence: missense variant.
Genome position (GRCh38, 1-based): chr17:40,630,798, G>C on the plus strand (C>G on the coding strand, the complement: SMARCE1 is on the minus strand). VCF-style: chr17-40630798-G-C. GRCh37 (hg19) VCF-style: chr17-38787050-G-C.
Other names: short protein forms Q315E.
Identifiers: ClinVar variation 662402 (VCV000662402.17), dbSNP rs1597742452, ClinGen allele CA399363517.
Genomic context (GRCh38, chr17:40,630,798, plus strand): 5'-CGTCTTTCTTCTCCTCGCCTTTGTTAGCTGCTTGTTCTTCCTCAGGAACGATGCTGCTCT[G>C]ACTGCGCTCAGCTTGCTCTGCGGCCTCCTTCTCCCTTTCCTCCTGCCTTTTGCGGGCCTG-3'
Protein context (NP_003070.3, residues 305-325): KEAAEQAERS[Gln315Glu]SSIVPEEEQA

ClinVar aggregate classification (germline): Conflicting classifications of pathogenicity. Review status: criteria provided, conflicting classifications (1 of 4 stars). 4 submissions from 4 submitters: Uncertain significance (3); Likely benign (1). Last evaluated 2025-06-07.

Conditions:
Hereditary cancer-predisposing syndrome. Also called: Hereditary Cancer Syndrome; Hereditary neoplastic syndrome; Tumor predisposition; Neoplastic Syndromes, Hereditary. Identifiers: Orphanet 140162, MedGen C0027672, MeSH D009386, MONDO:0015356.
Familial meningioma. Also called: Meningioma, familial, susceptibility to. Identifiers: Orphanet 263662, MedGen C3551915, MONDO:0011789, OMIM 607174.

Allele frequency attached by ClinVar (database versions not stated): TOPMed 0.00002; gnomAD 0.00001.
gnomAD v4.1: 2 of 1,613,890 alleles (0.00012%); no homozygotes.

Submissions (4):

Dasa
Classification: Uncertain significance. Last evaluated: 2025-06-07. Review status: criteria provided, single submitter. Criteria: DASA Assertion Criteria. Collection method: clinical testing. Allele origin: germline.
Comment: NM_003079.5(SMARCE1):c.943C>G (p.Gln315Glu) is a missense variant that results in the substitution of glutamine with glutamic acid. This variant is rare in population databases. Computational prediction algorithms are consistent with a benign effect. The currently available literature and clinical evidence are not sufficient to establish a definitive association between this variant and the reported condition. Therefore, this variant is classified as a variant of uncertain significance.

Ambry Genetics
Classification: Likely benign for Hereditary cancer-predisposing syndrome. Last evaluated: 2025-03-13. Review status: criteria provided, single submitter. Criteria: Ambry Variant Classification Scheme 2023. Collection method: clinical testing. Allele origin: germline.

Labcorp Genetics (formerly Invitae), Labcorp
Classification: Uncertain significance for Familial meningioma. Last evaluated: 2024-07-25. Review status: criteria provided, single submitter. Criteria: Invitae Variant Classification Sherloc (09022015). Collection method: clinical testing. Allele origin: germline.
Comment: This sequence change replaces glutamine, which is neutral and polar, with glutamic acid, which is acidic and polar, at codon 315 of the SMARCE1 protein (p.Gln315Glu). This variant is not present in population databases (gnomAD no frequency). This variant has not been reported in the literature in individuals affected with SMARCE1-related conditions. ClinVar contains an entry for this variant (Variation ID: 662402). Advanced modeling of protein sequence and biophysical properties (such as structural, functional, and spatial information, amino acid conservation, physicochemical variation, residue mobility, and thermodynamic stability) performed at Invitae indicates that this missense variant is not expected to disrupt SMARCE1 protein function with a negative predictive value of 80%. In summary, the available evidence is currently insufficient to determine the role of this variant in disease. Therefore, it has been classified as a Variant of Uncertain Significance.

Baylor Genetics
Classification: Uncertain significance for Familial meningioma. Last evaluated: 2024-03-24. Review status: criteria provided, single submitter. Criteria: ACMG Guidelines, 2015. Collection method: clinical testing. Allele origin: unknown.